The following is an entry in ClinVar:

NM_000535.7(PMS2):c.1079T>C (p.Ile360Thr)

Gene: PMS2 (PMS1 homolog 2, mismatch repair system component; minus strand). Cytogenetic location: 7p22.1.
Variant type: single nucleotide variant.
Coding change: c.1079T>C on transcript NM_000535.7 (MANE Select); coding-DNA position 1079, T replaced by C.
Protein change: p.Ile360Thr; replaces isoleucine 360 with threonine.
Molecular consequence: missense variant. On other transcripts: non-coding transcript variant (1), intron variant (2).
Genome position (GRCh38, 1-based): chr7:5,989,865, A>G on the plus strand (T>C on the coding strand, the complement: PMS2 is on the minus strand). VCF-style: chr7-5989865-A-G. GRCh37 (hg19) VCF-style: chr7-6029496-A-G.
Other names: c.1079T>C (NM_000535.5); c.674T>C, p.Ile225Thr (NM_001322003.2, NM_001322004.2, NM_001322005.2 and 1 more transcripts); c.761T>C, p.Ile254Thr (NM_001322007.2, NM_001322008.2); c.146T>C, p.Ile49Thr (NM_001322011.2, NM_001322012.2); c.506T>C, p.Ile169Thr (NM_001322013.2); c.1079T>C, p.Ile360Thr (NM_001322014.2); c.770T>C, p.Ile257Thr (NM_001322015.2); c.583+2108T>C (NM_001322010.2); and 1 more; short protein forms I169T, I225T, I254T, I257T, I360T, I49T.
Identifiers: ClinVar variation 1010902 (VCV001010902.11), dbSNP rs1554298715, ClinGen allele CA366742854.

ClinVar aggregate classification (germline): Uncertain significance. Review status: criteria provided, multiple submitters, no conflicts (2 of 4 stars). 3 submissions from 3 submitters: Uncertain significance (3). Last evaluated 2024-08-22.

Conditions:
Hereditary nonpolyposis colorectal neoplasms. Identifiers: MedGen C0009405, MeSH D003123.
Hereditary cancer-predisposing syndrome. Also called: Tumor predisposition; Hereditary neoplastic syndrome; Neoplastic Syndromes, Hereditary; Hereditary Cancer Syndrome. Identifiers: Orphanet 140162, MedGen C0027672, MeSH D009386, MONDO:0015356.

Allele frequency attached by ClinVar (database versions not stated): gnomAD exomes below 0.00001.

Submissions (3):

Labcorp Genetics (formerly Invitae), Labcorp
Classification: Uncertain significance for Hereditary nonpolyposis colorectal neoplasms. Last evaluated: 2024-08-22. Review status: criteria provided, single submitter. Criteria: Invitae Variant Classification Sherloc (09022015). Collection method: clinical testing. Allele origin: germline.
Comment: This sequence change replaces isoleucine, which is neutral and non-polar, with threonine, which is neutral and polar, at codon 360 of the PMS2 protein (p.Ile360Thr). This variant is not present in population databases (gnomAD no frequency). This variant has not been reported in the literature in individuals affected with PMS2-related conditions. ClinVar contains an entry for this variant (Variation ID: 1010902). Invitae Evidence Modeling of protein sequence and biophysical properties (such as structural, functional, and spatial information, amino acid conservation, physicochemical variation, residue mobility, and thermodynamic stability) indicates that this missense variant is not expected to disrupt PMS2 protein function with a negative predictive value of 80%. In summary, the available evidence is currently insufficient to determine the role of this variant in disease. Therefore, it has been classified as a Variant of Uncertain Significance.

Ambry Genetics
Classification: Uncertain significance for Hereditary cancer-predisposing syndrome. Last evaluated: 2024-04-12. Review status: criteria provided, single submitter. Criteria: Ambry Variant Classification Scheme 2023. Collection method: clinical testing. Allele origin: germline.
Comment: The p.I360T variant (also known as c.1079T>C), located in coding exon 10 of the PMS2 gene, results from a T to C substitution at nucleotide position 1079. The isoleucine at codon 360 is replaced by threonine, an amino acid with similar properties. This amino acid position is conserved. In addition, the in silico prediction for this alteration is inconclusive. Based on the available evidence, the clinical significance of this variant remains unclear.

Color Diagnostics, LLC DBA Color Health
Classification: Uncertain significance for Hereditary cancer-predisposing syndrome. Last evaluated: 2024-03-06. Review status: criteria provided, single submitter. Criteria: ACMG Guidelines, 2015. Collection method: clinical testing. Allele origin: germline.
Comment: This missense variant replaces isoleucine with threonine at codon 360 of the PMS2 protein. Computational prediction suggests that this variant may not impact protein structure and function (internally defined REVEL score threshold <= 0.5, PMID: 27666373). To our knowledge, functional studies have not been reported for this variant. This variant has not been reported in individuals affected with hereditary cancer in the literature. This variant has not been identified in the general population by the Genome Aggregation Database (gnomAD). The available evidence is insufficient to determine the role of this variant in disease conclusively. Therefore, this variant is classified as a Variant of Uncertain Significance.